The following is an entry in ClinVar:

ClinVar aggregate classification (germline): Conflicting classifications of pathogenicity. Review status: criteria provided, conflicting classifications (1 of 4 stars). 3 submissions from 3 submitters: Uncertain significance (1); Benign (1). 1 of the submissions does not count toward it. Last evaluated 2024-09-30.

Conditions:
Inborn genetic diseases. Identifiers: MedGen C0950123, MeSH D030342.
DNAH9-related disorder. Also called: DNAH9-related condition.

Allele frequency attached by ClinVar (database versions not stated): ESP Exome Variant Server 0.00015; TOPMed 0.00017; gnomAD 0.00036; 1000 Genomes Project 0.00120; 1000 Genomes Project 30x 0.00141.
gnomAD v4.1: 766 of 1,610,130 alleles (0.048%); highest among the groups gnomAD compares: South Asian, 0.53%; 9 homozygotes.

Submissions (3):

Labcorp Genetics (formerly Invitae), Labcorp
Classification: Benign. Last evaluated: 2024-09-30. Review status: criteria provided, single submitter. Criteria: Invitae Variant Classification Sherloc (09022015). Collection method: clinical testing. Allele origin: germline.

Ambry Genetics
Classification: Uncertain significance for Inborn genetic diseases. Last evaluated: 2021-10-22. Review status: criteria provided, single submitter. Criteria: Ambry Variant Classification Scheme 2023. Collection method: clinical testing. Allele origin: germline.

PreventionGenetics, part of Exact Sciences
Classification: Likely benign for DNAH9-related condition. Last evaluated: 2021-03-24. Review status: no assertion criteria provided. Collection method: clinical testing. Allele origin: germline. Not counted in ClinVar's aggregate classification.
Comment: This variant is classified as likely benign based on ACMG/AMP sequence variant interpretation guidelines (Richards et al. 2015 PMID: 25741868, with internal and published modifications).

NM_001372.4(DNAH9):c.9931G>A (p.Ala3311Thr)

Gene: DNAH9 (dynein axonemal heavy chain 9; plus strand). Cytogenetic location: 17p12.
Variant type: single nucleotide variant.
Coding change: c.9931G>A on transcript NM_001372.4 (MANE Select); coding-DNA position 9931, G replaced by A.
Protein change: p.Ala3311Thr; replaces alanine 3311 with threonine.
Molecular consequence: missense variant.
Genome position (GRCh38, 1-based): chr17:11,854,426, G>A. VCF-style: chr17-11854426-G-A. GRCh37 (hg19) VCF-style: chr17-11757743-G-A.
Other names: short protein forms A3311T.
Identifiers: ClinVar variation 2237757 (VCV002237757.7), dbSNP rs139176958, ClinGen allele CA8397331.